The following is an entry in ClinVar:

NM_152594.3(SPRED1):c.613C>G (p.Gln205Glu)

Gene: SPRED1 (sprouty related EVH1 domain containing 1; plus strand). Cytogenetic location: 15q14.
Variant type: single nucleotide variant.
Coding change: c.613C>G on transcript NM_152594.3 (MANE Select); coding-DNA position 613, C replaced by G.
Protein change: p.Gln205Glu; replaces glutamine 205 with glutamic acid.
Molecular consequence: missense variant.
Genome position (GRCh38, 1-based): chr15:38,349,452, C>G. VCF-style: chr15-38349452-C-G. GRCh37 (hg19) VCF-style: chr15-38641653-C-G.
Other names: short protein forms Q205E.
Identifiers: ClinVar variation 4865029 (VCV004865029.1).

ClinVar aggregate classification (germline): Uncertain significance (1 of 4 stars; one submission).

Conditions:
Cardiovascular phenotype. Identifiers: MedGen CN230736.

Submission:

Ambry Genetics
Classification: Uncertain significance for Cardiovascular phenotype. Last evaluated: 2026-05-01. Review status: criteria provided, single submitter. Criteria: Ambry Variant Classification Scheme 2023. Collection method: clinical testing. Allele origin: germline.
Comment: The p.Q205E variant (also known as c.613C>G), located in coding exon 6 of the SPRED1 gene, results from a C to G substitution at nucleotide position 613. The glutamine at codon 205 is replaced by glutamic acid, an amino acid with highly similar properties. This amino acid position is conserved. In addition, this alteration is predicted to be tolerated by in silico analysis. Based on the available evidence, the clinical significance of this variant remains unclear.